The following is an entry in ClinVar:

ClinVar aggregate classification (germline): Conflicting classifications of pathogenicity. Review status: criteria provided, conflicting classifications (1 of 4 stars). 3 submissions from 3 submitters: Uncertain significance (2); Likely benign (1). Last evaluated 2026-08-26.

Conditions:
ABCC8-related disorder.

gnomAD v4.1: 8 of 1,613,756 alleles (0.0005%); highest among the groups gnomAD compares: African/African-American, 0.0053%; no homozygotes.

Submissions (3):

PreventionGenetics, part of Exact Sciences
Classification: Likely benign for ABCC8-related condition. Last evaluated: 2026-08-26. Review status: criteria provided, single submitter. Criteria: ACMG Guidelines, 2015. Collection method: clinical testing. Allele origin: germline.
Comment: This variant is classified as likely benign based on ACMG/AMP sequence variant interpretation guidelines (Richards et al. 2015 PMID: 25741868, with internal and published modifications).

Women's Health and Genetics/Laboratory Corporation of America, LabCorp
Classification: Uncertain significance. Last evaluated: 2026-05-04. Review status: criteria provided, single submitter. Criteria: LabCorp Variant Classification Summary - May 2015. Collection method: clinical testing. Allele origin: germline.
Comment: Variant summary: ABCC8 c.2040+6T>A alters a nucleotide located close to a canonical splice site and therefore could affect mRNA splicing, leading to a significantly altered protein sequence. Consensus agreement among computation tools predict no significant impact on normal splicing. However, these predictions have yet to be confirmed by functional studies. The variant allele was found at a frequency of 8e-06 in 250648 control chromosomes. The available data on variant occurrences in the general population are insufficient to allow any conclusion about variant significance. To our knowledge, no occurrence of c.2040+6T>A in individuals affected with ABCC8-related conditions and no experimental evidence demonstrating its impact on protein function have been reported. ClinVar contains an entry for this variant (Variation ID: 3704800). Based on the evidence outlined above, the variant was classified as uncertain significance.

Labcorp Genetics (formerly Invitae), Labcorp
Classification: Uncertain significance. Last evaluated: 2024-06-09. Review status: criteria provided, single submitter. Criteria: Invitae Variant Classification Sherloc (09022015). Collection method: clinical testing. Allele origin: germline.
Comment: This sequence change falls in intron 14 of the ABCC8 gene. It does not directly change the encoded amino acid sequence of the ABCC8 protein. It affects a nucleotide within the consensus splice site. This variant is present in population databases (rs376331509, gnomAD 0.007%). This variant has not been reported in the literature in individuals affected with ABCC8-related conditions. Variants that disrupt the consensus splice site are a relatively common cause of aberrant splicing (PMID: 17576681, 9536098). Algorithms developed to predict the effect of sequence changes on RNA splicing suggest that this variant is not likely to affect RNA splicing. In summary, the available evidence is currently insufficient to determine the role of this variant in disease. Therefore, it has been classified as a Variant of Uncertain Significance.

Literature cited by the submitters: PubMed 17576681 (cited by Labcorp Genetics (formerly Invitae), Labcorp); PubMed 9536098 (cited by Labcorp Genetics (formerly Invitae), Labcorp).

NM_000352.6(ABCC8):c.2040+6T>A

Gene: ABCC8 (ATP binding cassette subfamily C member 8; minus strand). Cytogenetic location: 11p15.1.
Variant type: single nucleotide variant.
Coding change: c.2040+6T>A on transcript NM_000352.6 (MANE Select); 6 bases into the intron after coding-DNA position 2040, T replaced by A.
Molecular consequence: intron variant.
Genome position (GRCh38, 1-based): chr11:17,428,283, A>T on the plus strand (T>A on the coding strand, the complement: ABCC8 is on the minus strand). VCF-style: chr11-17428283-A-T. GRCh37 (hg19) VCF-style: chr11-17449830-A-T.
Other names: c.2037+6T>A (NM_001351297.2, NM_001351296.2); c.2106+6T>A (NM_001351295.2); c.2040+6T>A (NM_001287174.3, NM_000352.4).
Identifiers: ClinVar variation 3704800 (VCV003704800.4).